The following is an entry in ClinVar:

NM_004168.4(SDHA):c.1652C>G (p.Thr551Arg)

Gene: SDHA (succinate dehydrogenase complex flavoprotein subunit A; plus strand). Cytogenetic location: 5p15.33.
Variant type: single nucleotide variant.
Coding change: c.1652C>G on transcript NM_004168.4 (MANE Select); coding-DNA position 1652, C replaced by G.
Protein change: p.Thr551Arg; replaces threonine 551 with arginine.
Molecular consequence: missense variant. On other transcripts: intron variant (1).
Genome position (GRCh38, 1-based): chr5:251,092, C>G. VCF-style: chr5-251092-C-G. GRCh37 (hg19) VCF-style: chr5-251207-C-G.
Other names: c.1508C>G, p.Thr503Arg (NM_001294332.2); c.1552-3301C>G (NM_001330758.2); short protein forms T551R, T503R.
Identifiers: ClinVar variation 4789770 (VCV004789770.1).
Genomic context (GRCh38, chr5:251,092, plus strand): 5'-TGTTGCAAGAAGGTTGTGGGAAAATCAGCAAGCTCTATGGAGACCTAAAGCACCTGAAGA[C>G]GTTCGACCGGGGTGAGCAGACAGTGGGCTCTGTGCACACTGTTGGGCCCTTCCTTCTGCA-3'
Protein context (NP_004159.2, residues 541-561): KLYGDLKHLK[Thr551Arg]FDRGMVWNTD

ClinVar aggregate classification (germline): Uncertain significance (1 of 4 stars; one submission).

Conditions:
Mitochondrial complex II deficiency, nuclear type 1. Also called: SUCCINATE CoQ REDUCTASE DEFICIENCY. Identifiers: Orphanet 3208, MedGen C5700310, MONDO:0100294, OMIM 252011.
Pheochromocytoma/paraganglioma syndrome 5. Also called: Paragangliomas 5; SDHA-Related Hereditary Paraganglioma-Pheochromocytoma Syndrome. Identifiers: Orphanet 29072, MedGen C3279992, MONDO:0013602, OMIM 614165.

Submission:

Labcorp Genetics (formerly Invitae), Labcorp
Classification: Uncertain significance for Pheochromocytoma/paraganglioma syndrome 5; Mitochondrial complex II deficiency, nuclear type 1. Last evaluated: 2025-03-09. Review status: criteria provided, single submitter. Criteria: Invitae Variant Classification Sherloc (09022015). Collection method: clinical testing. Allele origin: germline.
Comment: This sequence change replaces threonine, which is neutral and polar, with arginine, which is basic and polar, at codon 551 of the SDHA protein (p.Thr551Arg). This variant is not present in population databases (gnomAD no frequency). This variant has not been reported in the literature in individuals affected with SDHA-related conditions. Invitae Evidence Modeling of protein sequence and biophysical properties (such as structural, functional, and spatial information, amino acid conservation, physicochemical variation, residue mobility, and thermodynamic stability) has been performed for this missense variant. However, the output from this modeling did not meet the statistical confidence thresholds required to predict the impact of this variant on SDHA protein function. In summary, the available evidence is currently insufficient to determine the role of this variant in disease. Therefore, it has been classified as a Variant of Uncertain Significance.